The following is an entry in ClinVar:

NM_178526.5(SLC25A42):c.911C>T (p.Thr304Ile)

Gene: SLC25A42 (solute carrier family 25 member 42; plus strand). Cytogenetic location: 19p13.11.
Variant type: single nucleotide variant.
Coding change: c.911C>T on transcript NM_178526.5 (MANE Select); coding-DNA position 911, C replaced by T.
Protein change: p.Thr304Ile; replaces threonine 304 with isoleucine.
Molecular consequence: missense variant.
Genome position (GRCh38, 1-based): chr19:19,110,830, C>T. VCF-style: chr19-19110830-C-T. GRCh37 (hg19) VCF-style: chr19-19221639-C-T.
Other names: c.911C>T, p.Thr304Ile (NM_001321544.2); c.911C>T (NM_178526.3); short protein forms T304I.
Identifiers: ClinVar variation 2420680 (VCV002420680.4), dbSNP rs140099041, ClinGen allele CA9321589.

ClinVar aggregate classification (germline): Uncertain significance. Review status: criteria provided, multiple submitters, no conflicts (2 of 4 stars). 2 submissions from 2 submitters: Uncertain significance (2). Last evaluated 2025-04-01.

Conditions:
Inborn genetic diseases. Identifiers: MedGen C0950123, MeSH D030342.

Allele frequency attached by ClinVar (database versions not stated): gnomAD exomes 0.00002; gnomAD 0.00004; TOPMed 0.00004; ExAC 0.00005; ESP Exome Variant Server 0.00008.
gnomAD v4.1: 34 of 1,613,864 alleles (0.0021%); highest among the groups gnomAD compares: Non-Finnish European, 0.0028%; no homozygotes.

Submissions (2):

Ambry Genetics
Classification: Uncertain significance for Inborn genetic diseases. Last evaluated: 2025-04-01. Review status: criteria provided, single submitter. Criteria: Ambry Variant Classification Scheme 2023. Collection method: clinical testing. Allele origin: germline.

Labcorp Genetics (formerly Invitae), Labcorp
Classification: Uncertain significance. Last evaluated: 2021-12-27. Review status: criteria provided, single submitter. Criteria: Invitae Variant Classification Sherloc (09022015). Collection method: clinical testing. Allele origin: germline.
Comment: This sequence change replaces threonine, which is neutral and polar, with isoleucine, which is neutral and non-polar, at codon 304 of the SLC25A42 protein (p.Thr304Ile). This variant is present in population databases (rs140099041, gnomAD 0.008%). This variant has not been reported in the literature in individuals affected with SLC25A42-related conditions. Algorithms developed to predict the effect of missense changes on protein structure and function are either unavailable or do not agree on the potential impact of this missense change (SIFT: "Tolerated"; PolyPhen-2: "Probably Damaging"; Align-GVGD: "Class C0"). In summary, the available evidence is currently insufficient to determine the role of this variant in disease. Therefore, it has been classified as a Variant of Uncertain Significance.